The following is an entry in ClinVar:

ClinVar aggregate classification (germline): Uncertain significance (1 of 4 stars; one submission).

Conditions:
Hereditary cancer-predisposing syndrome. Also called: Hereditary neoplastic syndrome; Neoplastic Syndromes, Hereditary; Tumor predisposition; Hereditary Cancer Syndrome. Identifiers: Orphanet 140162, MedGen C0027672, MeSH D009386, MONDO:0015356.

Submission:

Ambry Genetics
Classification: Uncertain significance for Hereditary cancer-predisposing syndrome. Last evaluated: 2025-08-27. Review status: criteria provided, single submitter. Criteria: Ambry Variant Classification Scheme 2023. Collection method: clinical testing. Allele origin: germline.
Comment: The p.Q260R variant (also known as c.779A>G), located in coding exon 9 of the MUTYH gene, results from an A to G substitution at nucleotide position 779. The glutamine at codon 260 is replaced by arginine, an amino acid with highly similar properties. This amino acid position is conserved. In addition, this alteration is predicted to be tolerated by in silico analysis. Based on the available evidence, the clinical significance of this variant remains unclear.

NM_001048174.2(MUTYH):c.695A>G (p.Gln232Arg)

Gene: MUTYH (mutY DNA glycosylase; minus strand). Cytogenetic location: 1p34.1.
Variant type: single nucleotide variant.
Coding change: c.695A>G on transcript NM_001048174.2 (MANE Select); coding-DNA position 695, A replaced by G.
Protein change: p.Gln232Arg; replaces glutamine 232 with arginine.
Molecular consequence: missense variant. On other transcripts: non-coding transcript variant (7).
Genome position (GRCh38, 1-based): chr1:45,332,400, T>C on the plus strand (A>G on the coding strand, the complement: MUTYH is on the minus strand). VCF-style: chr1-45332400-T-C. GRCh37 (hg19) VCF-style: chr1-45798072-T-C.
Other names: c.728A>G, p.Gln243Arg (NM_001293191.2, NM_001407069.1, NM_001407077.1); c.419A>G, p.Gln140Arg (NM_001293192.2, NM_001293196.2, NM_001407091.1); c.695A>G, p.Gln232Arg (NM_001293195.2, NM_001407070.1, NM_001407088.1 and 6 more transcripts); c.350A>G, p.Gln117Arg (NM_001350650.2, NM_001350651.2, NM_001407082.1); c.698A>G, p.Gln233Arg (NM_001407071.1, NM_001407086.1, NM_001048172.2 and 1 more transcripts); c.737A>G, p.Gln246Arg (NM_001407085.1, NM_001407083.1); c.716A>G, p.Gln239Arg (NM_001407087.1); c.770A>G, p.Gln257Arg (NM_012222.3); and 5 more; short protein forms Q232R, Q247R, Q117R, Q204R, Q219R, Q243R, Q260R, Q140R.
Identifiers: ClinVar variation 4113833 (VCV004113833.1).
Genomic context (GRCh38, chr1:45,332,400, plus strand): 5'-GAGCTCCTTTGCAGACACCCCTGAAGCACCCTTGTTACCCCAACATCCTACCAGAGCTGC[T>C]GGGAAACAAGGGTGCTGCTGGGATCAGCACCAATGGCTCGGACACGGCACAGCACCCGTG-3'
Protein context (NP_001041639.1, residues 222-242): GADPSSTLVS[Gln232Arg]QLWGLAQQLV